The following is an entry in ClinVar:

NM_001845.6(COL4A1):c.4408G>A (p.Gly1470Arg)

Gene: COL4A1 (collagen type IV alpha 1 chain; minus strand). Cytogenetic location: 13q34.
Variant type: single nucleotide variant.
Coding change: c.4408G>A on transcript NM_001845.6 (MANE Select); coding-DNA position 4408, G replaced by A.
Protein change: p.Gly1470Arg; replaces glycine 1470 with arginine.
Molecular consequence: missense variant.
Genome position (GRCh38, 1-based): chr13:110,162,284, C>T on the plus strand (G>A on the coding strand, the complement: COL4A1 is on the minus strand). VCF-style: chr13-110162284-C-T. GRCh37 (hg19) VCF-style: chr13-110814631-C-T.
Other names: short protein forms G1470R.
Identifiers: ClinVar variation 1452564 (VCV001452564.6), dbSNP rs2139146124, ClinGen allele CA388657957.

ClinVar aggregate classification (germline): Pathogenic (1 of 4 stars; one submission).

Submission:

Labcorp Genetics (formerly Invitae), Labcorp
Classification: Pathogenic. Last evaluated: 2025-02-17. Review status: criteria provided, single submitter. Criteria: Invitae Variant Classification Sherloc (09022015). Collection method: clinical testing. Allele origin: germline.
Comment: This sequence change replaces glycine, which is neutral and non-polar, with arginine, which is basic and polar, at codon 1470 of the COL4A1 protein (p.Gly1470Arg). This variant is not present in population databases (gnomAD no frequency). This missense change has been observed in individual(s) with COL4A1-related conditions (internal data). In at least one individual the variant was observed to be de novo. ClinVar contains an entry for this variant (Variation ID: 1452564). Invitae Evidence Modeling of protein sequence and biophysical properties (such as structural, functional, and spatial information, amino acid conservation, physicochemical variation, residue mobility, and thermodynamic stability) indicates that this missense variant is expected to disrupt COL4A1 protein function with a positive predictive value of 95%. Algorithms developed to predict the effect of sequence changes on RNA splicing suggest that this variant may disrupt the consensus splice site. For these reasons, this variant has been classified as Pathogenic.